The following is an entry in ClinVar:

ClinVar aggregate classification (germline): Pathogenic (1 of 4 stars; one submission).

Conditions:
Autosomal recessive early-onset Parkinson disease 6 (PARK6). Also called: PARKINSON DISEASE 6, EARLY-ONSET; PINK1-Related Parkinson Disease; PARKINSON DISEASE 6, MODIFIER OF; PINK1 Type of Young-Onset Parkinson Disease. Identifiers: Orphanet 2828, MedGen C1853833, MONDO:0011613, OMIM 605909.

Allele frequency attached by ClinVar (database versions not stated): ExAC below 0.00001; gnomAD exomes below 0.00001 and 0.00001; TOPMed 0.00001.

Submission:

Labcorp Genetics (formerly Invitae), Labcorp
Classification: Pathogenic for Autosomal recessive early-onset Parkinson disease 6. Last evaluated: 2023-03-13. Review status: criteria provided, single submitter. Criteria: Invitae Variant Classification Sherloc (09022015). Collection method: clinical testing. Allele origin: germline.
Comment: For these reasons, this variant has been classified as Pathogenic. ClinVar contains an entry for this variant (Variation ID: 664114). This variant is also known as c.367delC (p.G91GfsX105). This premature translational stop signal has been observed in individual(s) with autosomal dominant Parkinson disease and/or autosomal recessive Parkinson disease (PMID: 24677602). This variant is present in population databases (rs755000580, gnomAD 0.004%). This sequence change creates a premature translational stop signal (p.Cys92Alafs*15) in the PINK1 gene. It is expected to result in an absent or disrupted protein product. Loss-of-function variants in PINK1 are known to be pathogenic (PMID: 15087508, 15349870).

Literature cited by the submitters: PubMed 24677602; PubMed 15087508; PubMed 15349870.

NM_032409.3(PINK1):c.273del (p.Cys92fs)

Gene: PINK1 (PTEN induced kinase 1; plus strand). Cytogenetic location: 1p36.12.
Variant type: Deletion.
Coding change: c.273del on transcript NM_032409.3 (MANE Select); coding-DNA position 273, one base deleted (C; older notation c.273delC).
Protein change: p.Cys92fs; shifts the reading frame from cysteine 92.
Molecular consequence: frameshift variant.
Genome position (GRCh38, 1-based): chr1:20,633,821, C deleted. VCF-style (leftmost placement, unchanged base first): chr1-20633820-GC-G. GRCh37 (hg19) VCF-style: chr1-20960313-GC-G.
Other names: short protein forms C92fs.
Identifiers: ClinVar variation 664114 (VCV000664114.7), dbSNP rs755000580, ClinGen allele CA660360.